The following is an entry in ClinVar:

NM_001142864.4(PIEZO1):c.7004G>A (p.Arg2335Gln)

Gene: PIEZO1 (piezo type mechanosensitive ion channel component 1 (Er blood group); minus strand). Cytogenetic location: 16q24.3.
Variant type: single nucleotide variant.
Coding change: c.7004G>A on transcript NM_001142864.4 (MANE Select); coding-DNA position 7004, G replaced by A.
Protein change: p.Arg2335Gln; replaces arginine 2335 with glutamine.
Molecular consequence: missense variant.
Genome position (GRCh38, 1-based): chr16:88,716,406, C>T on the plus strand (G>A on the coding strand, the complement: PIEZO1 is on the minus strand). VCF-style: chr16-88716406-C-T. GRCh37 (hg19) VCF-style: chr16-88782814-C-T.
Other names: short protein forms R2335Q.
Identifiers: ClinVar variation 3358063 (VCV003358063.1).
Genomic context (GRCh38, chr16:88,716,406, plus strand): 5'-GGGCCCTTCACTCACACAGACTGGTCCGAGGTGCCCTCGAGCAGGCTGGCCAGCTGCCGC[C>T]GTGCAGTGCTGTTGGGGGCCAGGGCCAGCATGTGCTTCTCGTTGGCATACTCCACAGTGC-3'
Protein context (NP_001136336.2, residues 2325-2345): MLALAPNSTA[Arg2335Gln]RQLASLLEGT

ClinVar aggregate classification (germline): Uncertain significance (0 of 4 stars; one submission).

Conditions:
PIEZO1-related disorder. Also called: PIEZO1-related condition; PIEZO1-Related Disorders.

gnomAD v4.1: 15 of 1,549,148 alleles (0.00097%); highest among the groups gnomAD compares: East Asian, 0.0049%; no homozygotes.

Submission:

PreventionGenetics, part of Exact Sciences
Classification: Uncertain significance for PIEZO1-related condition. Last evaluated: 2024-04-09. Review status: no assertion criteria provided. Collection method: clinical testing. Allele origin: germline.
Comment: The PIEZO1 c.7004G>A variant is predicted to result in the amino acid substitution p.Arg2335Gln. To our knowledge, this variant has not been reported in the literature. This variant is reported in 0.0092% of alleles in individuals of East Asian descent in gnomAD. At this time, the clinical significance of this variant is uncertain due to the absence of conclusive functional and genetic evidence.